The following is an entry in ClinVar:

NM_133259.4(LRPPRC):c.1612C>T (p.Gln538Ter)

Genes: LRPPRC (leucine rich pentatricopeptide repeat containing; minus strand), LOC129388857 (MPRA-validated peak3685 silencer; plus strand). Cytogenetic location: 2p21.
Variant type: single nucleotide variant.
Coding change: c.1612C>T on transcript NM_133259.4 (MANE Select); coding-DNA position 1612, C replaced by T.
Protein change: p.Gln538Ter; replaces glutamine 538 with a stop codon.
Molecular consequence: nonsense.
Genome position (GRCh38, 1-based): chr2:43,957,422, G>A on the plus strand (C>T on the coding strand, the complement: LRPPRC is on the minus strand). VCF-style: chr2-43957422-G-A. GRCh37 (hg19) VCF-style: chr2-44184561-G-A.
Other names: short protein forms Q538*.
Identifiers: ClinVar variation 552573 (VCV000552573.6), dbSNP rs1553406772, ClinGen allele CA346678548.
Genomic context (GRCh38, chr2:43,957,422, plus strand): 5'-AACATTTAAGTTGATCATCTTACCTCCTGAAGCCTAGCAGTAGGCTACTTCTTATAGACT[G>A]CAGCGAGATGGGCAATGTATTTGATTTCACTGCAAAAGAAAATGACCATCATTAAATCTC-3'

ClinVar aggregate classification (germline): Pathogenic/Likely pathogenic. Review status: criteria provided, multiple submitters, no conflicts (2 of 4 stars). 3 submissions from 3 submitters: Pathogenic (1); Likely pathogenic (1). 1 of the submissions does not count toward it. Last evaluated 2023-06-17.

Conditions:
Congenital lactic acidosis, Saguenay-Lac-Saint-Jean type (MC4DN5). Also called: CYTOCHROME c OXIDASE DEFICIENCY, FRENCH CANADIAN TYPE; COX DEFICIENCY, FRENCH CANADIAN TYPE; MITOCHONDRIAL COMPLEX IV DEFICIENCY, NUCLEAR TYPE 5. Identifiers: Orphanet 70472, MedGen C1857355, MONDO:0009069, OMIM 220111.

Allele frequency attached by ClinVar (database versions not stated): gnomAD exomes below 0.00001.

Submissions (3):

Labcorp Genetics (formerly Invitae), Labcorp
Classification: Pathogenic. Last evaluated: 2023-06-17. Review status: criteria provided, single submitter. Criteria: Invitae Variant Classification Sherloc (09022015). Collection method: clinical testing. Allele origin: germline.
Comment: For these reasons, this variant has been classified as Pathogenic. ClinVar contains an entry for this variant (Variation ID: 552573). This variant has not been reported in the literature in individuals affected with LRPPRC-related conditions. This variant is not present in population databases (gnomAD no frequency). This sequence change creates a premature translational stop signal (p.Gln538*) in the LRPPRC gene. It is expected to result in an absent or disrupted protein product. Loss-of-function variants in LRPPRC are known to be pathogenic (PMID: 26510951).

Baylor Genetics
Classification: Likely pathogenic for Congenital lactic acidosis, Saguenay-Lac-Saint-Jean type. Review status: criteria provided, single submitter. Criteria: ACMG Guidelines, 2015. Collection method: clinical testing. Allele origin: germline.

Counsyl
Classification: Likely pathogenic for Congenital lactic acidosis, Saguenay-Lac-Saint-Jean type. Last evaluated: 2017-06-15. Review status: no assertion criteria provided. Collection method: clinical testing. Allele origin: unknown. Not counted in ClinVar's aggregate classification.

Literature cited by the submitters: PubMed 26510951 (cited by Labcorp Genetics (formerly Invitae), Labcorp).